The following is an entry in ClinVar:

NM_173560.4(RFX6):c.271G>A (p.Asp91Asn)

Gene: RFX6 (regulatory factor X6; plus strand). Cytogenetic location: 6q22.1.
Variant type: single nucleotide variant.
Coding change: c.271G>A on transcript NM_173560.4 (MANE Select); coding-DNA position 271, G replaced by A.
Protein change: p.Asp91Asn; replaces aspartic acid 91 with asparagine.
Molecular consequence: missense variant.
Genome position (GRCh38, 1-based): chr6:116,877,843, G>A. VCF-style: chr6-116877843-G-A. GRCh37 (hg19) VCF-style: chr6-117199006-G-A.
Other names: short protein forms D91N.
Identifiers: ClinVar variation 1932592 (VCV001932592.5), dbSNP rs2482420778, ClinGen allele CA365426273.

ClinVar aggregate classification (germline): Uncertain significance (1 of 4 stars; one submission).

Submission:

Labcorp Genetics (formerly Invitae), Labcorp
Classification: Uncertain significance. Last evaluated: 2022-08-12. Review status: criteria provided, single submitter. Criteria: Invitae Variant Classification Sherloc (09022015). Collection method: clinical testing. Allele origin: germline.
Comment: In summary, the available evidence is currently insufficient to determine the role of this variant in disease. Therefore, it has been classified as a Variant of Uncertain Significance. Algorithms developed to predict the effect of missense changes on protein structure and function (SIFT, PolyPhen-2, Align-GVGD) all suggest that this variant is likely to be tolerated. This variant has not been reported in the literature in individuals affected with RFX6-related conditions. This variant is not present in population databases (gnomAD no frequency). This sequence change replaces aspartic acid, which is acidic and polar, with asparagine, which is neutral and polar, at codon 91 of the RFX6 protein (p.Asp91Asn).